The following is an entry in ClinVar:

NC_012920.1(MT-ND5):m.13579G>A

Gene: MT-ND5 (mitochondrially encoded NADH dehydrogenase 5; plus strand).
Variant type: single nucleotide variant.
Genome position: chrM-13579-G-A.
Identifiers: ClinVar variation 693575 (VCV000693575.1), dbSNP rs1603224246, ClinGen allele CA414818618.

ClinVar aggregate classification (germline): Likely benign (1 of 4 stars; one submission).

Conditions:
Leigh syndrome (NULS). Also called: Leigh's necrotizing encephalopathy; Leigh's disease; Leigh Syndrome (mtDNA deletion); Leigh Disease; Subacute necrotizing encephalopathy; Necrotizing encephalopathy infantile subacute of Leigh. Identifiers: Orphanet 506, MedGen C2931891, MONDO:0009723, OMIM 256000.

Submission:

Wong Mito Lab, Molecular and Human Genetics, Baylor College of Medicine
Classification: Likely benign for Leigh syndrome. Last evaluated: 2019-10-17. Review status: criteria provided, single submitter. Criteria: Modified ACMG Guidelines (Unpublished). Collection method: clinical testing. Allele origin: germline.
Comment: The NC_012920.1:m.13579G>A (YP_003024036.1:p.Ala415Thr) variant in MTND5 gene is interpretated to be a Likely Benign variant based on the modified ACMG guidelines (unpublished). This variant meets the following evidence codes: BP4, BP5